The following is an entry in ClinVar:

ClinVar aggregate classification (germline): Conflicting classifications of pathogenicity. Review status: criteria provided, conflicting classifications (1 of 4 stars). 5 submissions from 5 submitters: Uncertain significance (2); Benign (1); Likely benign (2). Last evaluated 2025-12-01.

Conditions:
GRN-related disorder. Also called: GRN-related disorders; GRN-related condition.
Inborn genetic diseases. Identifiers: MedGen C0950123, MeSH D030342.
Neuronal ceroid lipofuscinosis 11. Also called: GRN-Related Neuronal Ceroid-Lipofuscinosis. Identifiers: Orphanet 314629, Orphanet 79262, MedGen C3539123, MONDO:0013866, OMIM 614706.
GRN-related frontotemporal lobar degeneration with Tdp43 inclusions (FTD2). Also called: GRN Frontotemporal Dementia; FRONTOTEMPORAL DEMENTIA WITH TDP43 INCLUSIONS, GRN-RELATED; DEMENTIA, HEREDITARY DYSPHASIC DISINHIBITION; FRONTOTEMPORAL LOBAR DEGENERATION WITH UBIQUITIN-POSITIVE INCLUSIONS; FTLD-TDP, GRN-RELATED. Identifiers: Orphanet 100070, Orphanet 282, MedGen C1843792, MONDO:0011842, OMIM 607485. Disease mechanism: loss of function.

Allele frequency attached by ClinVar (database versions not stated): gnomAD 0.00052; TOPMed 0.00058; 1000 Genomes Project 0.00060; ESP Exome Variant Server 0.00077; 1000 Genomes Project 30x 0.00078.
gnomAD v4.1: 170 of 1,613,910 alleles (0.011%); highest among the groups gnomAD compares: African/African-American, 0.21%; 1 homozygote.

Submissions (5):

Labcorp Genetics (formerly Invitae), Labcorp
Classification: Likely benign for Neuronal ceroid lipofuscinosis 11; GRN-related frontotemporal lobar degeneration with Tdp43 inclusions. Last evaluated: 2025-12-01. Review status: criteria provided, single submitter. Criteria: Invitae Variant Classification Sherloc (09022015). Collection method: clinical testing. Allele origin: germline.

PreventionGenetics, part of Exact Sciences
Classification: Likely benign for GRN-related condition. Last evaluated: 2025-10-06. Review status: criteria provided, single submitter. Criteria: ACMG Guidelines, 2015. Collection method: clinical testing. Allele origin: germline.
Comment: This variant is classified as likely benign based on ACMG/AMP sequence variant interpretation guidelines (Richards et al. 2015 PMID: 25741868, with internal and published modifications).

GeneDx
Classification: Uncertain significance. Last evaluated: 2021-08-28. Review status: criteria provided, single submitter. Criteria: GeneDx Variant Classification Process June 2021. Collection method: clinical testing. Allele origin: germline. Affected: yes.
Comment: In silico analysis, which includes protein predictors and evolutionary conservation, supports a deleterious effect; Has not been previously published as pathogenic or benign to our knowledge

Athena Diagnostics
Classification: Benign. Last evaluated: 2020-09-21. Review status: criteria provided, single submitter. Criteria: Athena Diagnostics criteria. Collection method: clinical testing. Allele origin: unknown.

Ambry Genetics
Classification: Uncertain significance for Inborn genetic diseases. Last evaluated: 2019-08-01. Review status: criteria provided, single submitter. Criteria: Ambry Variant Classification Scheme 2023. Collection method: clinical testing. Allele origin: germline.
Comment: The p.F131L variant (also known as c.393C>G), located in coding exon 4 of the GRN gene, results from a C to G substitution at nucleotide position 393. The phenylalanine at codon 131 is replaced by leucine, an amino acid with highly similar properties. This amino acid position is not well conserved in available vertebrate species. In addition, this alteration is predicted to be tolerated by in silico analysis. Since supporting evidence is limited at this time, the clinical significance of this alteration remains unclear.

NM_002087.4(GRN):c.393C>G (p.Phe131Leu)

Gene: GRN (granulin precursor; plus strand). Cytogenetic location: 17q21.31.
Variant type: single nucleotide variant.
Coding change: c.393C>G on transcript NM_002087.4 (MANE Select); coding-DNA position 393, C replaced by G.
Protein change: p.Phe131Leu; replaces phenylalanine 131 with leucine.
Molecular consequence: missense variant.
Genome position (GRCh38, 1-based): chr17:44,350,271, C>G. VCF-style: chr17-44350271-C-G. GRCh37 (hg19) VCF-style: chr17-42427639-C-G.
Other names: short protein forms F131L.
Identifiers: ClinVar variation 589035 (VCV000589035.56), dbSNP rs149180605, ClinGen allele CA8601871.